The following is an entry in ClinVar:

ClinVar aggregate classification (germline): Benign (1 of 4 stars; one submission).

Submission:

GeneDx
Classification: Benign. Last evaluated: 2018-06-14. Review status: criteria provided, single submitter. Criteria: GeneDx Variant Classification (06012015). Collection method: clinical testing. Allele origin: germline. Affected: yes.
Comment: This variant is considered likely benign or benign based on one or more of the following criteria: it is a conservative change, it occurs at a poorly conserved position in the protein, it is predicted to be benign by multiple in silico algorithms, and/or has population frequency not consistent with disease.

NM_002291.3(LAMB1):c.2691-275dup

Gene: LAMB1 (laminin subunit beta 1; minus strand). Cytogenetic location: 7q31.1.
Variant type: Duplication.
Coding change: c.2691-275dup on transcript NM_002291.3 (MANE Select); 275 bases into the intron before coding-DNA position 2691, one base duplicated (A; older notation c.2691-275dupA).
Molecular consequence: intron variant.
Genome position (GRCh38, 1-based): chr7:107,955,899, T duplicated on the plus strand (A on the coding strand, the reverse complement: LAMB1 is on the minus strand); the first of 7 consecutive T bases (chr7:107,955,899-107,955,905); duplicating any one gives the same sequence. VCF-style (leftmost placement, unchanged base first): chr7-107955898-G-GT. GRCh37 (hg19) VCF-style: chr7-107596343-G-GT.
Identifiers: ClinVar variation 681224 (VCV000681224.1), dbSNP rs58278482, ClinGen allele CA164249746.